The following is an entry in ClinVar:

ClinVar aggregate classification (germline): Uncertain significance (1 of 4 stars; one submission).

Conditions:
Anemia, sideroblastic, 5. Identifiers: MedGen C5561985, MONDO:0030436, OMIM 619523.

Submission:

Neuberg Centre For Genomic Medicine, NCGM
Classification: Uncertain significance for Anemia, sideroblastic, 5. Last evaluated: 2023-05-20. Review status: criteria provided, single submitter. Criteria: ACMG Guidelines, 2015. Collection method: clinical testing. Allele origin: germline. Inheritance: Autosomal recessive inheritance. Affected: yes.
Comment: The observed missense c.124T>G (p.Trp42Gly) variant in HSCB gene has not been reported previously as a pathogenic variant nor as a benign variant, to our knowledge. The p.Trp42Gly variant is absent in gnomAD Exomes. This variant has not been submitted to the ClinVar database. Multiple lines of computational evidence (Polyphen - Probably Damaging, SIFT - Damaging and MutationTaster - Disease causing) predict a damaging effect on protein structure and function for this variant. The reference amino acid of p.Trp42Gly in HSCB is predicted as conserved by GERP++ and PhyloP across 100 vertebrates. The amino acid Trp at position 42 is changed to a Gly changing protein sequence and it might alter its composition and physico-chemical properties. For these reasons, this variant has been classified as a Variant of Uncertain Significance (VUS).

NM_172002.5(HSCB):c.124T>G (p.Trp42Gly)

Gene: HSCB (HscB mitochondrial iron-sulfur cluster cochaperone; plus strand). Cytogenetic location: 22q12.1.
Variant type: single nucleotide variant.
Coding change: c.124T>G on transcript NM_172002.5 (MANE Select); coding-DNA position 124, T replaced by G.
Protein change: p.Trp42Gly; replaces tryptophan 42 with glycine.
Molecular consequence: missense variant. On other transcripts: non-coding transcript variant (1).
Genome position (GRCh38, 1-based): chr22:28,742,219, T>G. VCF-style: chr22-28742219-T-G. GRCh37 (hg19) VCF-style: chr22-29138207-T-G.
Other names: c.124T>G, p.Trp42Gly (NM_001318314.2, NM_001318315.2, NM_001363856.1); short protein forms W42G.
Identifiers: ClinVar variation 3367012 (VCV003367012.1).